The following is an entry in ClinVar:

ClinVar aggregate classification (germline): Pathogenic (1 of 4 stars; one submission).

Conditions:
Hereditary cancer-predisposing syndrome. Also called: Neoplastic Syndromes, Hereditary; Tumor predisposition; Hereditary Cancer Syndrome; Hereditary neoplastic syndrome. Identifiers: Orphanet 140162, MedGen C0027672, MeSH D009386, MONDO:0015356.

Submission:

Ambry Genetics
Classification: Pathogenic for Hereditary cancer-predisposing syndrome. Last evaluated: 2026-05-06. Review status: criteria provided, single submitter. Criteria: Ambry Variant Classification Scheme 2023. Collection method: clinical testing. Allele origin: germline.
Comment: The p.Q136* pathogenic mutation (also known as c.406C>T), located in coding exon 4 of the SDHA gene, results from a C to T substitution at nucleotide position 406. This changes the amino acid from a glutamine to a stop codon within coding exon 4. This variant is considered to be rare based on population cohorts in the Genome Aggregation Database (gnomAD). This alteration is expected to result in loss of function by premature protein truncation or nonsense-mediated mRNA decay. As such, this alteration is interpreted as a disease-causing mutation.

NM_004168.4(SDHA):c.406C>T (p.Gln136Ter)

Gene: SDHA (succinate dehydrogenase complex flavoprotein subunit A; plus strand). Cytogenetic location: 5p15.33.
Variant type: single nucleotide variant.
Coding change: c.406C>T on transcript NM_004168.4 (MANE Select); coding-DNA position 406, C replaced by T.
Protein change: p.Gln136Ter; replaces glutamine 136 with a stop codon.
Molecular consequence: nonsense. On other transcripts: intron variant (1).
Genome position (GRCh38, 1-based): chr5:225,512, C>T. VCF-style: chr5-225512-C-T. GRCh37 (hg19) VCF-style: chr5-225627-C-T.
Other names: c.406C>T, p.Gln136Ter (NM_001330758.2); c.313-371C>T (NM_001294332.2); short protein forms Q136*.
Identifiers: ClinVar variation 4864225 (VCV004864225.1).